The following is an entry in ClinVar:

NM_177965.4(CFAP418):c.512T>G (p.Ile171Arg)

Gene: CFAP418 (cilia and flagella associated protein 418; minus strand). Cytogenetic location: 8q22.1.
Variant type: single nucleotide variant.
Coding change: c.512T>G on transcript NM_177965.4 (MANE Select); coding-DNA position 512, T replaced by G.
Protein change: p.Ile171Arg; replaces isoleucine 171 with arginine.
Molecular consequence: missense variant.
Genome position (GRCh38, 1-based): chr8:95,247,729, A>C on the plus strand (T>G on the coding strand, the complement: CFAP418 is on the minus strand). VCF-style: chr8-95247729-A-C. GRCh37 (hg19) VCF-style: chr8-96259957-A-C.
Other names: c.416T>G, p.Ile139Arg (NM_001363260.1); short protein forms I171R, I139R.
Identifiers: ClinVar variation 597525 (VCV000597525.20), dbSNP rs143893647, ClinGen allele CA4815120.

ClinVar aggregate classification (germline): Conflicting classifications of pathogenicity. Review status: criteria provided, conflicting classifications (1 of 4 stars). 5 submissions from 5 submitters: Uncertain significance (2); Likely benign (2). 1 of the submissions does not count toward it. Last evaluated 2026-05-23.

Conditions:
CFAP418-related disorder. Also called: CFAP418-related condition.
Inborn genetic diseases. Identifiers: MedGen C0950123, MeSH D030342.

Allele frequency attached by ClinVar (database versions not stated): gnomAD exomes 0.00035; 1000 Genomes Project 30x 0.00047; ExAC 0.00053; 1000 Genomes Project 0.00060; gnomAD 0.00164 and 0.00181; TOPMed 0.00187; ESP Exome Variant Server 0.00215.
gnomAD v4.1: 444 of 1,612,342 alleles (0.028%); highest among the groups gnomAD compares: African/African-American, 0.56%; no homozygotes.

Submissions (5):

Ambry Genetics
Classification: Uncertain significance for Inborn genetic diseases. Last evaluated: 2026-05-23. Review status: criteria provided, single submitter. Criteria: Ambry Variant Classification Scheme 2023. Collection method: clinical testing. Allele origin: germline.
Comment: The c.512T>G (p.I171R) alteration is located in exon 6 (coding exon 6) of the C8orf37 gene. This alteration results from a T to G substitution at nucleotide position 512, causing the isoleucine (I) at amino acid position 171 to be replaced by an arginine (R). Based on data from gnomAD, the G allele has an overall frequency of 0.052% (146/281738) total alleles studied. The highest observed frequency was 0.565% (141/24936) of African alleles. Based on insufficient or conflicting evidence, the clinical significance of this alteration remains unclear.

Labcorp Genetics (formerly Invitae), Labcorp
Classification: Likely benign. Last evaluated: 2026-01-24. Review status: criteria provided, single submitter. Criteria: Invitae Variant Classification Sherloc (09022015). Collection method: clinical testing. Allele origin: germline.

Blueprint Genetics
Classification: Likely benign. Last evaluated: 2024-11-13. Review status: criteria provided, single submitter. Criteria: ACMG Guidelines, 2015. Collection method: clinical testing. Allele origin: germline.

Eurofins Ntd Llc (ga)
Classification: Uncertain significance. Last evaluated: 2018-06-18. Review status: criteria provided, single submitter. Criteria: EGL ClinVar v180209 classification definitions. Collection method: clinical testing. Allele origin: germline. Observed: 1 variant allele, 1 heterozygote.

PreventionGenetics, part of Exact Sciences
Classification: Likely benign for CFAP418-related condition. Last evaluated: 2019-07-05. Review status: no assertion criteria provided. Collection method: clinical testing. Allele origin: germline. Not counted in ClinVar's aggregate classification.
Comment: This variant is classified as likely benign based on ACMG/AMP sequence variant interpretation guidelines (Richards et al. 2015 PMID: 25741868, with internal and published modifications).